The following is an entry in ClinVar:

NM_000860.6(HPGD):c.662+5_662+8del

Gene: HPGD (15-hydroxyprostaglandin dehydrogenase; minus strand). Cytogenetic location: 4q34.1.
Variant type: Microsatellite.
Coding change: c.662+5_662+8del on transcript NM_000860.6 (MANE Select); bases 5 to 8 of the intron after coding-DNA position 662, 4 bases deleted (GTAA; older notation c.662+5_662+8delGTAA).
Molecular consequence: splice donor variant. On other transcripts: intron variant (2).
Genome position (GRCh38, 1-based): chr4:174,493,143-174,493,146, TTAC deleted on the plus strand (GTAA on the coding strand, the reverse complement: HPGD is on the minus strand); deleting any 4 consecutive bases within chr4:174,493,143-174,493,151 gives the same sequence; the c. name uses the placement nearest the transcript's 3' end. VCF-style (leftmost placement, unchanged base first): chr4-174493142-TTTAC-T. GRCh37 (hg19) VCF-style: chr4-175414293-TTTAC-T.
Other names: c.458+5_458+8del (NM_001256306.2); c.299+5_299+8del (NM_001256307.2, NM_001256301.1); c.422-1052_422-1049del (NM_001256305.2); c.499-1052_499-1049del (NM_001145816.3).
Identifiers: ClinVar variation 1408124 (VCV001408124.5), dbSNP rs758621450, ClinGen allele CA3142195.

ClinVar aggregate classification (germline): Uncertain significance. Review status: criteria provided, multiple submitters, no conflicts (2 of 4 stars). 2 submissions from 2 submitters: Uncertain significance (2). Last evaluated 2024-12-19.

Conditions:
Hypertrophic osteoarthropathy, primary, autosomal recessive, 1 (PHOAR1). Also called: PHO, AUTOSOMAL RECESSIVE. Identifiers: Orphanet 1525, Orphanet 2796, MedGen C4551679, MONDO:0024546, OMIM 259100.

Submissions (2):

Genomic Medicine Center of Excellence, King Faisal Specialist Hospital and Research Centre
Classification: Uncertain significance for Hypertrophic osteoarthropathy, primary, autosomal recessive, 1. Last evaluated: 2024-12-19. Review status: criteria provided, single submitter. Criteria: ACMG Guidelines, 2015. Collection method: clinical testing. Allele origin: germline.

Labcorp Genetics (formerly Invitae), Labcorp
Classification: Uncertain significance. Last evaluated: 2022-02-05. Review status: criteria provided, single submitter. Criteria: Invitae Variant Classification Sherloc (09022015). Collection method: clinical testing. Allele origin: germline.
Comment: In summary, the available evidence is currently insufficient to determine the role of this variant in disease. Therefore, it has been classified as a Variant of Uncertain Significance. Variants that disrupt the consensus splice site are a relatively common cause of aberrant splicing (PMID: 17576681, 9536098). Algorithms developed to predict the effect of sequence changes on RNA splicing suggest that this variant may disrupt the consensus splice site. This variant has not been reported in the literature in individuals affected with HPGD-related conditions. This variant is present in population databases (rs758621450, gnomAD 0.02%). This sequence change falls in intron 6 of the HPGD gene. It does not directly change the encoded amino acid sequence of the HPGD protein. It affects a nucleotide within the consensus splice site.

Literature cited by the submitters: PubMed 17576681 (cited by Labcorp Genetics (formerly Invitae), Labcorp); PubMed 9536098 (cited by Labcorp Genetics (formerly Invitae), Labcorp).